The following is an entry in ClinVar:

NM_000121.4(EPOR):c.1041G>A (p.Pro347=)

Gene: EPOR (erythropoietin receptor; minus strand). Cytogenetic location: 19p13.2.
Variant type: single nucleotide variant.
Coding change: c.1041G>A on transcript NM_000121.4 (MANE Select); coding-DNA position 1041, G replaced by A.
Protein change: p.Pro347=; no amino-acid change (proline 347 retained).
Molecular consequence: synonymous variant. On other transcripts: non-coding transcript variant (1).
Genome position (GRCh38, 1-based): chr19:11,378,470, C>T on the plus strand (G>A on the coding strand, the complement: EPOR is on the minus strand). VCF-style: chr19-11378470-C-T. GRCh37 (hg19) VCF-style: chr19-11489146-C-T.
Identifiers: ClinVar variation 328144 (VCV000328144.36), dbSNP rs138884102, ClinGen allele CA9210582.

ClinVar aggregate classification (germline): Benign/Likely benign. Review status: criteria provided, multiple submitters, no conflicts (2 of 4 stars). 6 submissions from 6 submitters: Benign (3); Likely benign (3). Last evaluated 2026-05-01.

Conditions:
Inborn genetic diseases. Identifiers: MedGen C0950123, MeSH D030342.
Primary familial polycythemia due to EPO receptor mutation. Also called: POLYCYTHEMIA, PRIMARY FAMILIAL AND CONGENITAL; Primary Familial Congenital Polycythemia; Erythrocytosis, familial, 1; ERYTHROCYTOSIS, SOMATIC. Identifiers: Orphanet 90042, MedGen C4551637, MONDO:0007572, OMIM 133100.

Allele frequency attached by ClinVar (database versions not stated): gnomAD 0.00093 and 0.00100; 1000 Genomes Project 0.00100; 1000 Genomes Project 30x 0.00109; TOPMed 0.00116; ExAC 0.00119; ESP Exome Variant Server 0.00131.
gnomAD v4.1: 1,756 of 1,614,192 alleles (0.11%); highest among the groups gnomAD compares: Middle Eastern, 0.76%; 3 homozygotes.

Submissions (6):

CeGaT Center for Human Genetics Tuebingen
Classification: Likely benign. Last evaluated: 2026-05-01. Review status: criteria provided, single submitter. Criteria: CeGaT Center For Human Genetics Tuebingen Variant Classification Criteria Version 2. Collection method: clinical testing. Allele origin: germline. Affected: yes. Observed: 5 variant alleles.
Comment: EPOR: BP4, BP7

Labcorp Genetics (formerly Invitae), Labcorp
Classification: Benign. Last evaluated: 2025-10-01. Review status: criteria provided, single submitter. Criteria: Invitae Variant Classification Sherloc (09022015). Collection method: clinical testing. Allele origin: germline.

Blueprint Genetics
Classification: Likely benign. Last evaluated: 2024-11-21. Review status: criteria provided, single submitter. Criteria: ACMG Guidelines, 2015. Collection method: clinical testing. Allele origin: germline.

Ambry Genetics
Classification: Likely benign for Inborn genetic diseases. Last evaluated: 2023-08-04. Review status: criteria provided, single submitter. Criteria: Ambry Variant Classification Scheme 2023. Collection method: clinical testing. Allele origin: germline.

Illumina Laboratory Services, Illumina
Classification: Benign for Primary familial polycythemia due to EPO receptor mutation. Last evaluated: 2018-01-13. Review status: criteria provided, single submitter. Criteria: ICSL Variant Classification Criteria 13 December 2019. Collection method: clinical testing. Allele origin: germline.
Comment: This variant was observed in the ICSL laboratory as part of a predisposition screen in an ostensibly healthy population. It had not been previously curated by ICSL or reported in the Human Gene Mutation Database (HGMD: prior to June 1st, 2018), and was therefore a candidate for classification through an automated scoring system. Utilizing variant allele frequency, disease prevalence and penetrance estimates, and inheritance mode, an automated score was calculated to assess if this variant is too frequent to cause the disease. Based on the score and internal cut-off values, a variant classified as benign is not then subjected to further curation. The score for this variant resulted in a classification of benign for this disease.

Breakthrough Genomics
Classification: Benign. Review status: criteria provided, single submitter. Criteria: ACMG Guidelines, 2015. Collection method: not provided. Allele origin: germline. Inheritance: Autosomal dominant inheritance. Affected: yes.